The following is an entry in ClinVar:

ClinVar aggregate classification (germline): Uncertain significance (1 of 4 stars; one submission).

Conditions:
Inborn genetic diseases. Identifiers: MedGen C0950123, MeSH D030342.

Submission:

Ambry Genetics
Classification: Uncertain significance for Inborn genetic diseases. Last evaluated: 2025-03-10. Review status: criteria provided, single submitter. Criteria: Ambry Variant Classification Scheme 2023. Collection method: clinical testing. Allele origin: germline.
Comment: The p.Q185P variant (also known as c.554A>C), located in coding exon 5 of the CEP57 gene, results from an A to C substitution at nucleotide position 554. The glutamine at codon 185 is replaced by proline, an amino acid with similar properties. This amino acid position is conserved. In addition, this alteration is predicted to be tolerated by in silico analysis. Based on the available evidence, the clinical significance of this variant remains unclear.

NM_014679.5(CEP57):c.554A>C (p.Gln185Pro)

Gene: CEP57 (centrosomal protein 57; plus strand). Cytogenetic location: 11q21.
Variant type: single nucleotide variant.
Coding change: c.554A>C on transcript NM_014679.5 (MANE Select); coding-DNA position 554, A replaced by C.
Protein change: p.Gln185Pro; replaces glutamine 185 with proline.
Molecular consequence: missense variant.
Genome position (GRCh38, 1-based): chr11:95,817,836, A>C. VCF-style: chr11-95817836-A-C. GRCh37 (hg19) VCF-style: chr11-95551000-A-C.
Other names: c.527A>C, p.Gln176Pro (NM_001243776.2); c.554A>C, p.Gln185Pro (NM_001243777.2); c.473A>C, p.Gln158Pro (NM_001363604.2); short protein forms Q185P, Q176P, Q158P.
Identifiers: ClinVar variation 3832018 (VCV003832018.1).